The following is an entry in ClinVar:

NM_052845.4(MMAB):c.503C>T (p.Thr168Met)

Gene: MMAB (metabolism of cobalamin associated B; minus strand). Cytogenetic location: 12q24.11.
Variant type: single nucleotide variant.
Coding change: c.503C>T on transcript NM_052845.4 (MANE Select); coding-DNA position 503, C replaced by T.
Protein change: p.Thr168Met; replaces threonine 168 with methionine.
Molecular consequence: missense variant. On other transcripts: non-coding transcript variant (1).
Genome position (GRCh38, 1-based): chr12:109,561,436, G>A on the plus strand (C>T on the coding strand, the complement: MMAB is on the minus strand). VCF-style: chr12-109561436-G-A. GRCh37 (hg19) VCF-style: chr12-109999241-G-A.
Other names: c.503C>T (NM_052845.3); short protein forms T168M.
Identifiers: ClinVar variation 991632 (VCV000991632.5), dbSNP rs200690789, ClinGen allele CA6778891.
Genomic context (GRCh38, chr12:109,561,436, plus strand): 5'-AACCTGCCTGCAGCCGCCCCCGGTTAAGCCTGCCCAGTACCTACAGGCAGGATGAAGGCC[G>A]TGAGTGGTGGGAGCTGGCTGGTGTACTTGTCGATCCACTGCTCCAGCTCCAGGATGGGCC-3'
Protein context (NP_443077.1, residues 158-178): DKYTSQLPPL[Thr168Met]AFILPSGGKI

ClinVar aggregate classification (germline): Uncertain significance. Review status: criteria provided, multiple submitters, no conflicts (2 of 4 stars). 3 submissions from 3 submitters: Uncertain significance (2). 1 of the submissions does not count toward it. Last evaluated 2025-06-06.

Conditions:
Inborn genetic diseases. Identifiers: MedGen C0950123, MeSH D030342.
Methylmalonic aciduria, cblB type (MACB). Also called: Vitamin B12-responsive methylmalonic acidemia type cblB; Methylmalonic acidemia cblB type; METHYLMALONIC ACIDURIA, VITAMIN B12-RESPONSIVE, DUE TO DEFECT IN SYNTHESIS OF ADENOSYLCOBALAMIN, cblB TYPE. Identifiers: Orphanet 28, Orphanet 79311, MedGen C1855102, MONDO:0009614, OMIM 251110.

Allele frequency attached by ClinVar (database versions not stated): TOPMed 0.00010; 1000 Genomes Project 30x 0.00016; 1000 Genomes Project 0.00020; ExAC 0.00005; gnomAD 0.00013 and 0.00014.

Submissions (3):

Ambry Genetics
Classification: Uncertain significance for Inborn genetic diseases. Last evaluated: 2025-06-06. Review status: criteria provided, single submitter. Criteria: Ambry Variant Classification Scheme 2023. Collection method: clinical testing. Allele origin: germline.

Labcorp Genetics (formerly Invitae), Labcorp
Classification: Uncertain significance for Methylmalonic aciduria, cblB type. Last evaluated: 2021-10-29. Review status: criteria provided, single submitter. Criteria: Invitae Variant Classification Sherloc (09022015). Collection method: clinical testing. Allele origin: germline.
Comment: This sequence change replaces threonine, which is neutral and polar, with methionine, which is neutral and non-polar, at codon 168 of the MMAB protein (p.Thr168Met). This variant is present in population databases (rs200690789, gnomAD 0.03%). This variant has not been reported in the literature in individuals affected with MMAB-related conditions. ClinVar contains an entry for this variant (Variation ID: 991632). Advanced modeling of protein sequence and biophysical properties (such as structural, functional, and spatial information, amino acid conservation, physicochemical variation, residue mobility, and thermodynamic stability) performed at Invitae indicates that this missense variant is not expected to disrupt MMAB protein function. In summary, the available evidence is currently insufficient to determine the role of this variant in disease. Therefore, it has been classified as a Variant of Uncertain Significance.

Natera, Inc.
Classification: Uncertain significance for Methylmalonic aciduria cblB type. Last evaluated: 2020-08-18. Review status: no assertion criteria provided. Collection method: clinical testing. Allele origin: germline. Not counted in ClinVar's aggregate classification.